The following is an entry in ClinVar:

NM_014270.5(SLC7A9):c.157A>T (p.Lys53Ter)

Gene: SLC7A9 (solute carrier family 7 member 9; minus strand). Cytogenetic location: 19q13.11.
Variant type: single nucleotide variant.
Coding change: c.157A>T on transcript NM_014270.5 (MANE Select); coding-DNA position 157, A replaced by T.
Protein change: p.Lys53Ter; replaces lysine 53 with a stop codon.
Molecular consequence: nonsense.
Genome position (GRCh38, 1-based): chr19:32,864,707, T>A on the plus strand (A>T on the coding strand, the complement: SLC7A9 is on the minus strand). VCF-style: chr19-32864707-T-A. GRCh37 (hg19) VCF-style: chr19-33355613-T-A.
Other names: c.157A>T, p.Lys53Ter (NM_001126335.2, NM_001243036.2); short protein forms K53*.
Identifiers: ClinVar variation 1452963 (VCV001452963.6), dbSNP rs2145847207, ClinGen allele CA405204510.

ClinVar aggregate classification (germline): Pathogenic (1 of 4 stars; one submission).

Submission:

Labcorp Genetics (formerly Invitae), Labcorp
Classification: Pathogenic. Last evaluated: 2021-12-04. Review status: criteria provided, single submitter. Criteria: Invitae Variant Classification Sherloc (09022015). Collection method: clinical testing. Allele origin: germline.
Comment: For these reasons, this variant has been classified as Pathogenic. This variant has not been reported in the literature in individuals affected with SLC7A9-related conditions. This variant is not present in population databases (gnomAD no frequency). This sequence change creates a premature translational stop signal (p.Lys53*) in the SLC7A9 gene. It is expected to result in an absent or disrupted protein product. Loss-of-function variants in SLC7A9 are known to be pathogenic (PMID: 11157794, 16838140, 25296721).

Literature cited by the submitters: PubMed 11157794; PubMed 16838140; PubMed 25296721.